The following is an entry in ClinVar:

ClinVar aggregate classification (germline): Uncertain significance (1 of 4 stars; one submission).

Conditions:
Hereditary pheochromocytoma and paraganglioma. Also called: Hereditary Paraganglioma-Pheochromocytoma Syndromes; Hereditary paragangliomas and pheochromocytomas; Hereditary pheochromocytoma-paraganglioma. Identifiers: Orphanet 29072, MedGen C4274332, MONDO:0017366.

Submission:

Color Diagnostics, LLC DBA Color Health
Classification: Uncertain significance for Hereditary pheochromocytoma and paraganglioma. Last evaluated: 2025-06-03. Review status: criteria provided, single submitter. Criteria: ACMG Guidelines, 2015. Collection method: clinical testing. Allele origin: germline.
Comment: This variant is located in the 5' untranslated region of the SDHB gene. To our knowledge, functional studies have not been reported for this variant. This variant has not been reported in individuals affected with SDHB-related disorders in the literature. This variant has not been identified in the general population by the Genome Aggregation Database (gnomAD). The available evidence is insufficient to determine the role of this variant in disease conclusively. Therefore, this variant is classified as a Variant of Uncertain Significance.

NM_003000.3(SDHB):c.-3_-2del

Gene: SDHB (succinate dehydrogenase complex iron sulfur subunit B; minus strand). Cytogenetic location: 1p36.13.
Variant type: Deletion.
Coding change: c.-3_-2del on transcript NM_003000.3 (MANE Select); 3 bases upstream of the start codon through 2 bases upstream of the start codon, 2 bases deleted (AA; older notation c.-3_-2delAA).
Molecular consequence: 5 prime UTR variant.
Genome position (GRCh38, 1-based): chr1:17,054,021-17,054,022, TT deleted on the plus strand (AA on the coding strand, the reverse complement: SDHB is on the minus strand). VCF-style (leftmost placement, unchanged base first): chr1-17054020-CTT-C. GRCh37 (hg19) VCF-style: chr1-17380515-CTT-C.
Other names: c.-3_-2del (NM_001407361.1).
Identifiers: ClinVar variation 4758437 (VCV004758437.1).